The following is an entry in ClinVar:

NM_201384.3(PLEC):c.4421A>G (p.Glu1474Gly)

Gene: PLEC (plectin; minus strand). Cytogenetic location: 8q24.3.
Variant type: single nucleotide variant.
Coding change: c.4421A>G on transcript NM_201384.3 (MANE Select); coding-DNA position 4421, A replaced by G.
Protein change: p.Glu1474Gly; replaces glutamic acid 1474 with glycine.
Molecular consequence: missense variant. On other transcripts: intron variant (1).
Genome position (GRCh38, 1-based): chr8:143,925,508, T>C on the plus strand (A>G on the coding strand, the complement: PLEC is on the minus strand). VCF-style: chr8-143925508-T-C. GRCh37 (hg19) VCF-style: chr8-144999676-T-C.
Other names: c.4502A>G, p.Glu1501Gly (NM_000445.5); c.4379A>G, p.Glu1460Gly (NM_201378.4); c.4355A>G, p.Glu1452Gly (NM_201379.3); c.4832A>G, p.Glu1611Gly (NM_201380.4); c.4325A>G, p.Glu1442Gly (NM_201381.3); c.4421A>G, p.Glu1474Gly (NM_201382.4); c.4433A>G, p.Glu1478Gly (NM_201383.3); c.4125+1276A>G (NM_001410941.1); short protein forms E1452G, E1611G, E1442G, E1460G, E1474G, E1478G, E1501G.
Identifiers: ClinVar variation 4982681 (VCV004982681.1).

ClinVar aggregate classification (germline): Uncertain significance (1 of 4 stars; one submission).

Conditions:
PLEC-related disorder. Also called: PLEC-related disorders; PLEC-related condition.

gnomAD v4.1: 11 of 1,595,026 alleles (0.00069%); highest among the groups gnomAD compares: African/African-American, 0.0013%; no homozygotes.

Submission:

PreventionGenetics, part of Exact Sciences
Classification: Uncertain significance for PLEC-related condition. Last evaluated: 2026-04-07. Review status: criteria provided, single submitter. Criteria: ACMG Guidelines, 2015. Collection method: clinical testing. Allele origin: germline.
Comment: The PLEC c.4502A>G variant is predicted to result in the amino acid substitution p.Glu1501Gly. To our knowledge, this variant has not been reported in the literature or in a large population database (gnomAD), indicating this variant is rare. At this time, the clinical significance of this variant is uncertain due to the absence of conclusive functional and genetic evidence.